The following is an entry in ClinVar:

ClinVar aggregate classification (germline): Uncertain significance (1 of 4 stars; one submission).

Conditions:
Combined immunodeficiency due to DOCK8 deficiency (HIES2). Also called: HIES autosomal recessive; DOCK8 Deficiency; Hyper-IgE recurrent infection syndrome, autosomal recessive; HYPER-IgE RECURRENT INFECTION SYNDROME 2, AUTOSOMAL RECESSIVE; HYPER-IgE SYNDROME 2, AUTOSOMAL RECESSIVE, WITH RECURRENT INFECTIONS. Identifiers: Orphanet 217390, MedGen C4722305, MONDO:0009478, OMIM 243700.

Allele frequency attached by ClinVar (database versions not stated): gnomAD 0.00002; gnomAD exomes 0.00002; TOPMed 0.00002.
gnomAD v4.1: 36 of 1,614,096 alleles (0.0022%); highest among the groups gnomAD compares: Non-Finnish European, 0.0019%; no homozygotes.

Submission:

Labcorp Genetics (formerly Invitae), Labcorp
Classification: Uncertain significance for Combined immunodeficiency due to DOCK8 deficiency. Last evaluated: 2022-02-11. Review status: criteria provided, single submitter. Criteria: Invitae Variant Classification Sherloc (09022015). Collection method: clinical testing. Allele origin: germline.
Comment: This variant has not been reported in the literature in individuals affected with DOCK8-related conditions. In summary, the available evidence is currently insufficient to determine the role of this variant in disease. Therefore, it has been classified as a Variant of Uncertain Significance. Algorithms developed to predict the effect of missense changes on protein structure and function (SIFT, PolyPhen-2, Align-GVGD) all suggest that this variant is likely to be tolerated. This variant is present in population databases (no rsID available, gnomAD 0.004%). This sequence change replaces alanine, which is neutral and non-polar, with glycine, which is neutral and non-polar, at codon 196 of the DOCK8 protein (p.Ala196Gly).

NM_203447.4(DOCK8):c.587C>G (p.Ala196Gly)

Gene: DOCK8 (dedicator of cytokinesis 8; plus strand). Cytogenetic location: 9p24.3.
Variant type: single nucleotide variant.
Coding change: c.587C>G on transcript NM_203447.4 (MANE Select); coding-DNA position 587, C replaced by G.
Protein change: p.Ala196Gly; replaces alanine 196 with glycine.
Molecular consequence: missense variant.
Genome position (GRCh38, 1-based): chr9:312,012, C>G. VCF-style: chr9-312012-C-G. GRCh37 (hg19) VCF-style: chr9-312012-C-G.
Other names: c.383C>G, p.Ala128Gly (NM_001190458.2, NM_001193536.2); short protein forms A128G, A196G.
Identifiers: ClinVar variation 2176605 (VCV002176605.4), dbSNP rs1009414917, ClinGen allele CA187804865.